The following is an entry in ClinVar:

NM_002474.3(MYH11):c.2015C>T (p.Thr672Met)

Gene: MYH11 (myosin heavy chain 11; minus strand). Cytogenetic location: 16p13.11.
Variant type: single nucleotide variant.
Coding change: c.2015C>T on transcript NM_002474.3 (MANE Select); coding-DNA position 2015, C replaced by T.
Protein change: p.Thr672Met; replaces threonine 672 with methionine.
Molecular consequence: missense variant.
Genome position (GRCh38, 1-based): chr16:15,750,181, G>A on the plus strand (C>T on the coding strand, the complement: MYH11 is on the minus strand). VCF-style: chr16-15750181-G-A. GRCh37 (hg19) VCF-style: chr16-15844038-G-A.
Other names: c.2036C>T, p.Thr679Met (NM_001040113.2, NM_001040114.2); c.2015C>T, p.Thr672Met (NM_022844.3); short protein forms T679M, T672M.
Identifiers: ClinVar variation 405460 (VCV000405460.19), dbSNP rs749498320, ClinGen allele CA7922450.
Genomic context (GRCh38, chr16:15,750,181, plus strand): 5'-TGGGCGGCGGGCCTCACCCTCTTCTCGTGGTTGGGGATGATGCAGCGCACGAAGTTGGGC[G>A]TGGTGTTGCGTAGCGTGGTCATCAGCTTGCCCAGCTGCTCCTTGTACAGCTGCCCCACTG-3'
Protein context (NP_002465.1, residues 662-682): GKLMTTLRNT[Thr672Met]PNFVRCIIPN

ClinVar aggregate classification (germline): Uncertain significance. Review status: criteria provided, multiple submitters, no conflicts (2 of 4 stars). 4 submissions from 4 submitters: Uncertain significance (4). Last evaluated 2025-10-13.

Conditions:
Familial thoracic aortic aneurysm and aortic dissection (TAAD). Also called: Thoracic aortic aneurysms and dissections. Identifiers: Orphanet 91387, MedGen C4707243, MONDO:0019625.
Aortic aneurysm, familial thoracic 4 (AAT4). Also called: AORTIC ANEURYSM/AORTIC DISSECTION AND PATENT DUCTUS ARTERIOSUS. Identifiers: MedGen C1851504, MONDO:0007568, OMIM 132900.

Allele frequency attached by ClinVar (database versions not stated): TOPMed below 0.00001; gnomAD 0.00001; gnomAD exomes 0.00001 and 0.00002; ExAC 0.00002.
gnomAD v4.1: 27 of 1,614,128 alleles (0.0017%); highest among the groups gnomAD compares: Middle Eastern, 0.033%; no homozygotes.

Submissions (4):

Labcorp Genetics (formerly Invitae), Labcorp
Classification: Uncertain significance for Aortic aneurysm, familial thoracic 4. Last evaluated: 2025-10-13. Review status: criteria provided, single submitter. Criteria: Invitae Variant Classification Sherloc (09022015). Collection method: clinical testing. Allele origin: germline.
Comment: This sequence change replaces threonine, which is neutral and polar, with methionine, which is neutral and non-polar, at codon 679 of the MYH11 protein (p.Thr679Met). This variant is present in population databases (rs749498320, gnomAD 0.006%). This variant has not been reported in the literature in individuals affected with MYH11-related conditions. ClinVar contains an entry for this variant (Variation ID: 405460). Invitae Evidence Modeling of protein sequence and biophysical properties (such as structural, functional, and spatial information, amino acid conservation, physicochemical variation, residue mobility, and thermodynamic stability) indicates that this missense variant is not expected to disrupt MYH11 protein function with a negative predictive value of 95%. In summary, the available evidence is currently insufficient to determine the role of this variant in disease. Therefore, it has been classified as a Variant of Uncertain Significance.

Ambry Genetics
Classification: Uncertain significance for Familial thoracic aortic aneurysm and aortic dissection. Last evaluated: 2024-06-30. Review status: criteria provided, single submitter. Criteria: Ambry Variant Classification Scheme 2023. Collection method: clinical testing. Allele origin: germline.
Comment: The p.T672M variant (also known as c.2015C>T), located in coding exon 15 of the MYH11 gene, results from a C to T substitution at nucleotide position 2015. The threonine at codon 672 is replaced by methionine, an amino acid with similar properties. This amino acid position is conserved. In addition, this alteration is predicted to be tolerated by in silico analysis. Since supporting evidence is limited at this time, the clinical significance of this alteration remains unclear.

Color Diagnostics, LLC DBA Color Health
Classification: Uncertain significance for Familial thoracic aortic aneurysm and aortic dissection. Last evaluated: 2024-03-06. Review status: criteria provided, single submitter. Criteria: ACMG Guidelines, 2015. Collection method: clinical testing. Allele origin: germline.
Comment: This missense variant replaces threonine with methionine at codon 679 of the MYH11 protein. Computational prediction suggests that this variant may not impact protein structure and function (internally defined REVEL score threshold <= 0.5, PMID: 27666373). To our knowledge, functional studies have not been reported for this variant. This variant has not been reported in individuals affected with MYH11-related disorders in the literature. This variant has been identified in 2/251340 chromosomes in the general population by the Genome Aggregation Database (gnomAD). The available evidence is insufficient to determine the role of this variant in disease conclusively. Therefore, this variant is classified as a Variant of Uncertain Significance.

All of Us Research Program, National Institutes of Health
Classification: Uncertain significance for Familial thoracic aortic aneurysm and aortic dissection. Last evaluated: 2023-09-17. Review status: criteria provided, single submitter. Criteria: ACMG Guidelines, 2015. Collection method: clinical testing. Allele origin: germline. Inheritance: Autosomal dominant inheritance. Observed: 4 variant alleles, 4 heterozygotes.
Comment: This missense variant replaces threonine with methionine at codon 679 of the MYH11 protein. Computational prediction suggests that this variant may not impact protein structure and function (internally defined REVEL score threshold <= 0.5, PMID: 27666373). Splice site prediction tools suggest that this variant may not impact RNA splicing. To our knowledge, functional studies have not been performed for this variant. This variant has not been reported in individuals affected with cardiovascular disorders in the literature. This variant has been identified in 2/251340 chromosomes in the general population by the Genome Aggregation Database (gnomAD). The available evidence is insufficient to determine the role of this variant in disease conclusively. Therefore, this variant is classified as a Variant of Uncertain Significance.

This study involves interpretation of variants in research participants for the purpose of population health screening. Participant phenotype was not available at the time of variant classification. Additional details can be found in publication PMID: 35346344, PMCID: PMC8962531